The following is an entry in ClinVar:

ClinVar aggregate classification (germline): Uncertain significance (1 of 4 stars; one submission).

Submission:

Women's Health and Genetics/Laboratory Corporation of America, LabCorp
Classification: Uncertain significance. Last evaluated: 2026-02-10. Review status: criteria provided, single submitter. Criteria: LabCorp Variant Classification Summary - May 2015. Collection method: clinical testing. Allele origin: germline.
Comment: Variant summary: PTPRQ c.3854C>T (p.Ala1285Val) results in a non-conservative amino acid change in the encoded protein sequence. Algorithms developed to predict the effect of missense changes on protein structure and function are either unavailable or do not agree on the potential impact of this missense change. The variant was absent in 143366 control chromosomes. The available data on variant occurrences in the general population are insufficient to allow any conclusion about variant significance. To our knowledge, no occurrence of c.3854C>T in individuals affected with PTPRQ-related conditions and no experimental evidence demonstrating its impact on protein function have been reported. No submitters have cited clinical-significance assessments for this variant to ClinVar. Based on the evidence outlined above, the variant was classified as uncertain significance.

NM_001145026.2(PTPRQ):c.3854C>T (p.Thr1285Ile)

Gene: PTPRQ (protein tyrosine phosphatase receptor type Q; plus strand). Cytogenetic location: 12q21.31.
Variant type: single nucleotide variant.
Coding change: c.3854C>T on transcript NM_001145026.2 (MANE Select); coding-DNA position 3854, C replaced by T.
Protein change: p.Thr1285Ile; replaces threonine 1285 with isoleucine.
Molecular consequence: missense variant.
Genome position (GRCh38, 1-based): chr12:80,542,862, C>T. VCF-style: chr12-80542862-C-T. GRCh37 (hg19) VCF-style: chr12-80936641-C-T.
Other names: short protein forms T1285I.
Identifiers: ClinVar variation 4847922 (VCV004847922.1).